The following is an entry in ClinVar:

ClinVar aggregate classification (germline): Benign (1 of 4 stars; one submission).

Conditions:
Symmetrical dyschromatosis of extremities (DSH). Also called: DYSCHROMATOSIS SYMMETRICA HEREDITARIA 1; RETICULATE ACROPIGMENTATION OF DOHI; SYMMETRIC DYSCHROMATOSIS OF THE EXTREMITIES; Dyschromatosis symmetrica hereditaria. Identifiers: Orphanet 41, MedGen C0406775, MONDO:0007483, OMIM 127400.

Allele frequency attached by ClinVar (database versions not stated): 1000 Genomes Project 30x 0.00031; 1000 Genomes Project 0.00040; gnomAD 0.00079 and 0.00084; TOPMed 0.00092.

Submission:

Illumina Laboratory Services, Illumina
Classification: Benign for Symmetrical dyschromatosis of extremities. Last evaluated: 2018-01-12. Review status: criteria provided, single submitter. Criteria: ICSL Variant Classification Criteria 13 December 2019. Collection method: clinical testing. Allele origin: germline.
Comment: This variant was observed in the ICSL laboratory as part of a predisposition screen in an ostensibly healthy population. It had not been previously curated by ICSL or reported in the Human Gene Mutation Database (HGMD: prior to June 1st, 2018), and was therefore a candidate for classification through an automated scoring system. Utilizing variant allele frequency, disease prevalence and penetrance estimates, and inheritance mode, an automated score was calculated to assess if this variant is too frequent to cause the disease. Based on the score and internal cut-off values, a variant classified as benign is not then subjected to further curation. The score for this variant resulted in a classification of benign for this disease.

NM_001111.5(ADAR):c.*2643G>A

Gene: ADAR (adenosine deaminase RNA specific; minus strand). Cytogenetic location: 1q21.3.
Variant type: single nucleotide variant.
Coding change: c.*2643G>A on transcript NM_001111.5 (MANE Select); 2643 bases downstream of the stop codon, G replaced by A.
Molecular consequence: 3 prime UTR variant.
Genome position (GRCh38, 1-based): chr1:154,582,163, C>T on the plus strand (G>A on the coding strand, the complement: ADAR is on the minus strand). VCF-style: chr1-154582163-C-T. GRCh37 (hg19) VCF-style: chr1-154554639-C-T.
Other names: c.*2643G>A (NM_001025107.3, NM_001193495.2, NM_001365045.1 and 6 more transcripts).
Identifiers: ClinVar variation 875232 (VCV000875232.4), dbSNP rs539051807, ClinGen allele CA30842590.
Genomic context (GRCh38, chr1:154,582,163, plus strand): 5'-TATATTGTTAAGTCACTGTTATCAAGGGACACATAAAAGCAGAATCATAAAACTGGACTG[C>T]AGCCATCATCACAGTACCCGAGTCTATGCTTGGGGGTCTTCCTCACTCTGCTCTTGGAGT-3'